The following is an entry in ClinVar:

NM_001164508.2(NEB):c.8569A>T (p.Lys2857Ter)

Gene: NEB (nebulin; minus strand). Cytogenetic location: 2q23.3.
Variant type: single nucleotide variant.
Coding change: c.8569A>T on transcript NM_001164508.2 (MANE Select); coding-DNA position 8569, A replaced by T.
Protein change: p.Lys2857Ter; replaces lysine 2857 with a stop codon.
Molecular consequence: nonsense.
Genome position (GRCh38, 1-based): chr2:151,640,471, T>A on the plus strand (A>T on the coding strand, the complement: NEB is on the minus strand). VCF-style: chr2-151640471-T-A. GRCh37 (hg19) VCF-style: chr2-152496985-T-A.
Other names: c.8569A>T, p.Lys2857Ter (NM_001164507.2, NM_001271208.2, NM_004543.5); short protein forms K2857*.
Identifiers: ClinVar variation 1726344 (VCV001726344.2), dbSNP rs1560848309, ClinGen allele CA348810195.
Genomic context (GRCh38, chr2:151,640,471, plus strand): 5'-GGCATGTCCACTGGTGCAGGTAGTTCTTGTAGTCCACATCGCTGACTAAGGTCTGGCACT[T>A]CTTGGCCAGCACCACCCCCAGCATGTCCACTGGGCTGCTGAACTTGGTCTTCCACTTCTC-3'

ClinVar aggregate classification (germline): Likely pathogenic (1 of 4 stars; one submission).

Conditions:
Nemaline myopathy 2 (NEM2). Also called: Nemaline myopathy 2, autosomal recessive. Identifiers: MedGen C1850569, MONDO:0009725, OMIM 256030.

Submission:

Myriad Genetics, Inc.
Classification: Likely pathogenic for Nemaline myopathy 2. Last evaluated: 2021-12-17. Review status: criteria provided, single submitter. Criteria: Myriad Women's Health Autosomal Recessive and X-Linked Classification Criteria (2021). Collection method: clinical testing. Allele origin: unknown.
Comment: NM_001271208.1(NEB):c.8569A>T(K2857*) is expected to be pathogenic in the context of NEB-related nemaline myopathy. This variant is predicted to lead to an abnormal or absent protein product due to the creation of a premature termination codon in NEB, a gene where loss-of-function variants are known to be pathogenic. Please note: this variant was assessed in the context of healthy population screening.